The following is an entry in ClinVar:

NM_000075.4(CDK4):c.632+7G>A

Gene: CDK4 (cyclin dependent kinase 4; minus strand). Cytogenetic location: 12q14.1.
Variant type: single nucleotide variant.
Coding change: c.632+7G>A on transcript NM_000075.4 (MANE Select); 7 bases into the intron after coding-DNA position 632, G replaced by A.
Molecular consequence: intron variant.
Genome position (GRCh38, 1-based): chr12:57,750,649, C>T on the plus strand (G>A on the coding strand, the complement: CDK4 is on the minus strand). VCF-style: chr12-57750649-C-T. GRCh37 (hg19) VCF-style: chr12-58144432-C-T.
Identifiers: ClinVar variation 1122011 (VCV001122011.10), dbSNP rs1955225535, ClinGen allele CA2038995031.

ClinVar aggregate classification (germline): Likely benign. Review status: criteria provided, multiple submitters, no conflicts (2 of 4 stars). 2 submissions from 2 submitters: Likely benign (2). Last evaluated 2024-09-26.

Conditions:
Familial melanoma. Also called: Hereditary melanoma; Hereditary cutaneous melanoma. Identifiers: Orphanet 618, MedGen C1512419, MONDO:0018961.
Melanoma, cutaneous malignant, susceptibility to, 3. Also called: Cutaneous malignant melanoma 3. Identifiers: Orphanet 618, MedGen C1836892, MONDO:0012183, OMIM 609048.

Submissions (2):

Myriad Genetics, Inc.
Classification: Likely benign for Melanoma, cutaneous malignant, susceptibility to, 3. Last evaluated: 2024-09-26. Review status: criteria provided, single submitter. Criteria: Myriad Autosomal Dominant, Autosomal Recessive and X-Linked Classification Criteria (2023). Collection method: clinical testing. Allele origin: unknown.
Comment: This variant is considered likely benign. This variant is intronic and is not expected to impact mRNA splicing.

Labcorp Genetics (formerly Invitae), Labcorp
Classification: Likely benign for Familial melanoma. Last evaluated: 2024-05-06. Review status: criteria provided, single submitter. Criteria: Invitae Variant Classification Sherloc (09022015). Collection method: clinical testing. Allele origin: germline.